The following is an entry in ClinVar:

NM_002361.4(MAG):c.1688G>T (p.Arg563Leu)

Gene: MAG (myelin associated glycoprotein; plus strand). Cytogenetic location: 19q13.12.
Variant type: single nucleotide variant.
Coding change: c.1688G>T on transcript NM_002361.4 (MANE Select); coding-DNA position 1688, G replaced by T.
Protein change: p.Arg563Leu; replaces arginine 563 with leucine.
Molecular consequence: missense variant.
Genome position (GRCh38, 1-based): chr19:35,311,989, G>T. VCF-style: chr19-35311989-G-T. GRCh37 (hg19) VCF-style: chr19-35802892-G-T.
Other names: c.1613G>T, p.Arg538Leu (NM_001199216.2); c.1688G>T, p.Arg563Leu (NM_080600.3); short protein forms R538L, R563L.
Identifiers: ClinVar variation 3778566 (VCV003778566.7).

ClinVar aggregate classification (germline): Uncertain significance (1 of 4 stars; one submission).

Submission:

CeGaT Center for Human Genetics Tuebingen
Classification: Uncertain significance. Last evaluated: 2026-09-01. Review status: criteria provided, single submitter. Criteria: CeGaT Center For Human Genetics Tuebingen Variant Classification Criteria Version 2. Collection method: clinical testing. Allele origin: germline. Affected: yes. Observed: 2 variant alleles.
Comment: MAG: PM2